The following is an entry in ClinVar:

NM_001303256.3(MORC2):c.464G>A (p.Arg155Gln)

Gene: MORC2 (MORC family CW-type zinc finger 2; minus strand). Cytogenetic location: 22q12.2.
Variant type: single nucleotide variant.
Coding change: c.464G>A on transcript NM_001303256.3 (MANE Select); coding-DNA position 464, G replaced by A.
Protein change: p.Arg155Gln; replaces arginine 155 with glutamine.
Molecular consequence: missense variant.
Genome position (GRCh38, 1-based): chr22:30,942,234, C>T on the plus strand (G>A on the coding strand, the complement: MORC2 is on the minus strand). VCF-style: chr22-30942234-C-T. GRCh37 (hg19) VCF-style: chr22-31338221-C-T.
Other names: c.464G>A, p.Arg155Gln (NM_001303257.2); c.278G>A, p.Arg93Gln (NM_014941.3); short protein forms R155Q, R93Q.
Identifiers: ClinVar variation 2055650 (VCV002055650.6), dbSNP rs770383175, ClinGen allele CA10187239.
Genomic context (GRCh38, chr22:30,942,234, plus strand): 5'-TACTTATAGATGAGTTCTGTCTCAATGGCAAATTTCTCTACATTGTCTGTGACAGGTTCC[C>T]GGGTCCGAGCATTCCAGGTGGGCAGTGGGACTATCACCTGTGGAGTAAACATGAGCAGGC-3'
Protein context (NP_001290185.1, residues 145-165): VPLPTWNART[Arg155Gln]EPVTDNVEKF

ClinVar aggregate classification (germline): Uncertain significance. Review status: criteria provided, multiple submitters, no conflicts (2 of 4 stars). 2 submissions from 2 submitters: Uncertain significance (2). Last evaluated 2024-10-30.

Conditions:
Charcot-Marie-Tooth disease axonal type 2Z. Also called: CHARCOT-MARIE-TOOTH DISEASE, AXONAL, AUTOSOMAL DOMINANT, TYPE 2Z; CHARCOT-MARIE-TOOTH NEUROPATHY, TYPE 2Z. Identifiers: Orphanet 466768, MedGen C5569025, MONDO:0014736, OMIM 616688.

Allele frequency attached by ClinVar (database versions not stated): gnomAD exomes 0.00001; gnomAD 0.00003; TOPMed 0.00010; ExAC 0.00003.
gnomAD v4.1: 22 of 1,613,408 alleles (0.0014%); highest among the groups gnomAD compares: Admixed American, 0.012%; no homozygotes.

Submissions (2):

Dasa
Classification: Uncertain significance. Last evaluated: 2024-10-30. Review status: criteria provided, single submitter. Criteria: DASA Assertion Criteria. Collection method: clinical testing. Allele origin: germline.
Comment: NM_001303256.3(MORC2):c.464G>A (p.Arg155Gln) is a missense variant that results in the substitution of arginine with glutamine. This variant is rare in population databases. Computational prediction algorithms are consistent with a benign effect. The currently available literature and clinical evidence are not sufficient to establish a definitive association between this variant and the reported condition. Therefore, this variant is classified as a variant of uncertain significance.

Labcorp Genetics (formerly Invitae), Labcorp
Classification: Uncertain significance for Charcot-Marie-Tooth disease axonal type 2Z. Last evaluated: 2024-03-14. Review status: criteria provided, single submitter. Criteria: Invitae Variant Classification Sherloc (09022015). Collection method: clinical testing. Allele origin: germline.
Comment: This sequence change replaces arginine, which is basic and polar, with glutamine, which is neutral and polar, at codon 155 of the MORC2 protein (p.Arg155Gln). This variant is present in population databases (rs770383175, gnomAD 0.01%). This variant has not been reported in the literature in individuals affected with MORC2-related conditions. ClinVar contains an entry for this variant (Variation ID: 2055650). Advanced modeling of protein sequence and biophysical properties (such as structural, functional, and spatial information, amino acid conservation, physicochemical variation, residue mobility, and thermodynamic stability) performed at Invitae indicates that this missense variant is not expected to disrupt MORC2 protein function with a negative predictive value of 95%. In summary, the available evidence is currently insufficient to determine the role of this variant in disease. Therefore, it has been classified as a Variant of Uncertain Significance.